The following is an entry in ClinVar:

NM_004655.4(AXIN2):c.1728T>C (p.Ser576=)

Gene: AXIN2 (axin 2; minus strand). Cytogenetic location: 17q24.1.
Variant type: single nucleotide variant.
Coding change: c.1728T>C on transcript NM_004655.4 (MANE Select); coding-DNA position 1728, T replaced by C.
Protein change: p.Ser576=; no amino-acid change (serine 576 retained).
Molecular consequence: synonymous variant. On other transcripts: intron variant (1).
Genome position (GRCh38, 1-based): chr17:65,537,048, A>G on the plus strand (T>C on the coding strand, the complement: AXIN2 is on the minus strand). VCF-style: chr17-65537048-A-G. GRCh37 (hg19) VCF-style: chr17-63533166-A-G.
Other names: c.1712+276T>C (NM_001363813.1).
Identifiers: ClinVar variation 1616775 (VCV001616775.9), dbSNP rs2144452082, ClinGen allele CA501691213.
Genomic context (GRCh38, chr17:65,537,048, plus strand): 5'-TTCCCTGGCGGGCAGGGCCAGGCCCGGCTCCGTGCCTTTCCCATTGCGTTTGGGCAAGGT[A>G]CTGCCTCTGCTGCCGCTGTGGGGAACCAAGAACCACACCCAACCCAGAGACCCGGTTAAA-3'
Protein context (NP_004646.3, residues 566-586): PSEQFGGSRG[Ser576=]TLPKRNGKGT

ClinVar aggregate classification (germline): Benign/Likely benign. Review status: criteria provided, multiple submitters, no conflicts (2 of 4 stars). 2 submissions from 2 submitters: Benign (1); Likely benign (1). Last evaluated 2024-07-08.

Conditions:
Oligodontia-cancer predisposition syndrome. Also called: TOOTH AGENESIS-COLORECTAL CANCER SYNDROME. Identifiers: Orphanet 300576, MedGen C1837750, MONDO:0012075, OMIM 608615. Disease mechanism: loss of function.

Allele frequency attached by ClinVar (database versions not stated): gnomAD exomes below 0.00001.
gnomAD v4.1: 1 of 1,606,578 alleles (0.000062%); highest among the groups gnomAD compares: Non-Finnish European, 0.000085%; no homozygotes.

Submissions (2):

Myriad Genetics, Inc.
Classification: Benign for Oligodontia-cancer predisposition syndrome. Last evaluated: 2024-07-08. Review status: criteria provided, single submitter. Criteria: Myriad Autosomal Dominant, Autosomal Recessive and X-Linked Classification Criteria (2023). Collection method: clinical testing. Allele origin: unknown.
Comment: This variant is considered benign. This variant is a silent/synonymous amino acid change and it is not expected to impact splicing.

Labcorp Genetics (formerly Invitae), Labcorp
Classification: Likely benign for Oligodontia-cancer predisposition syndrome. Last evaluated: 2021-11-12. Review status: criteria provided, single submitter. Criteria: Invitae Variant Classification Sherloc (09022015). Collection method: clinical testing. Allele origin: germline.